The following is an entry in ClinVar:

ClinVar aggregate classification (germline): Uncertain significance (1 of 4 stars; one submission).

Conditions:
Catecholaminergic polymorphic ventricular tachycardia (CVPT). Also called: Catecholamine-induced polymorphic ventricular tachycardia. Identifiers: Orphanet 3286, MedGen C5574922, MONDO:0017990.

Submission:

All of Us Research Program, National Institutes of Health
Classification: Uncertain significance for Catecholaminergic polymorphic ventricular tachycardia. Last evaluated: 2024-09-23. Review status: criteria provided, single submitter. Criteria: ACMG Guidelines, 2015. Collection method: clinical testing. Allele origin: germline. Inheritance: Autosomal dominant inheritance. Observed: 1 variant allele, 1 heterozygote.
Comment: This study involves interpretation of variants in research participants for the purpose of population health screening. Participant phenotype was not available at the time of variant classification. Additional details can be found in publication PMID: 35346344, PMCID: PMC8962531

NM_001035.3(RYR2):c.13837G>C (p.Asp4613His)

Gene: RYR2 (ryanodine receptor 2; plus strand). Cytogenetic location: 1q43.
Variant type: single nucleotide variant.
Coding change: c.13837G>C on transcript NM_001035.3 (MANE Select); coding-DNA position 13837, G replaced by C.
Protein change: p.Asp4613His; replaces aspartic acid 4613 with histidine.
Molecular consequence: missense variant.
Genome position (GRCh38, 1-based): chr1:237,793,921, G>C. VCF-style: chr1-237793921-G-C. GRCh37 (hg19) VCF-style: chr1-237957221-G-C.
Other names: short protein forms D4613H.
Identifiers: ClinVar variation 3385871 (VCV003385871.1).